The following is an entry in ClinVar:

NM_001042750.2(STAG2):c.2353G>T (p.Glu785Ter)

Gene: STAG2 (STAG2 cohesin complex component; plus strand). Cytogenetic location: Xq25.
Variant type: single nucleotide variant.
Coding change: c.2353G>T on transcript NM_001042750.2 (MANE Select); coding-DNA position 2353, G replaced by T.
Protein change: p.Glu785Ter; replaces glutamic acid 785 with a stop codon.
Molecular consequence: nonsense.
Genome position (GRCh38, 1-based): chrX:124,068,651, G>T. VCF-style: chrX-124068651-G-T. GRCh37 (hg19) VCF-style: chrX-123202501-G-T.
Other names: c.2353G>T, p.Glu785Ter (NM_001375375.1, NM_001375376.1, NM_001375377.1 and 23 more transcripts); short protein forms E785*.
Identifiers: ClinVar variation 4632337 (VCV004632337.1).

ClinVar aggregate classification (germline): Pathogenic (1 of 4 stars; one submission).

Conditions:
Inborn genetic diseases. Identifiers: MedGen C0950123, MeSH D030342.

Submission:

Ambry Genetics
Classification: Pathogenic for Inborn genetic diseases. Last evaluated: 2025-10-31. Review status: criteria provided, single submitter. Criteria: Ambry Variant Classification Scheme 2023. Collection method: clinical testing. Allele origin: germline.
Comment: The c.2353G>T (p.E785*) alteration, located in exon 24 (coding exon 22) of the STAG2 gene, consists of a G to T substitution at nucleotide position 2353. This changes the amino acid from a glutamic acid (E) to a stop codon at amino acid position 785. This alteration is expected to result in loss of function by premature protein truncation or nonsense-mediated mRNA decay. This variant was not reported in population-based cohorts in the Genome Aggregation Database (gnomAD). Based on the available evidence, this alteration is classified as pathogenic.